The following is an entry in ClinVar:

NM_206933.4(USH2A):c.11549del

Gene: USH2A (usherin; minus strand). Cytogenetic location: 1q41.
Variant type: Deletion.
Coding change: c.11549del on transcript NM_206933.4 (MANE Select); coding-DNA position 11549, one base deleted (G; older notation c.11549delG).
Molecular consequence: splice acceptor variant.
Genome position (GRCh38, 1-based): chr1:215,741,537, C deleted on the plus strand (G on the coding strand, the reverse complement: USH2A is on the minus strand); the first of 2 consecutive C bases (chr1:215,741,537-215,741,538); deleting either gives the same sequence. VCF-style (leftmost placement, unchanged base first): chr1-215741536-TC-T. GRCh37 (hg19) VCF-style: chr1-215914878-TC-T.
Identifiers: ClinVar variation 931962 (VCV000931962.14), dbSNP rs1660304704, ClinGen allele CA1139656553.
Genomic context (GRCh38, chr1:215,741,536, plus strand): 5'-AAGATCCATTGGGGCTGCTTCAGGTGTTTTGACAAACATCCTACTGCTAACTCCACAACT[TC>T]CTTGAAAAAAAAAAAATTGAGGTCTTTATTATTTTTCAAGCAAGGAAAAGAACTACATAT-3'

ClinVar aggregate classification (germline): Pathogenic/Likely pathogenic. Review status: criteria provided, multiple submitters, no conflicts (2 of 4 stars). 4 submissions from 4 submitters: Pathogenic (1); Likely pathogenic (3). Last evaluated 2023-04-11.

Conditions:
Retinitis pigmentosa 39 (RP39). Identifiers: Orphanet 791, MedGen C3151138, MONDO:0013436, OMIM 613809.
Usher syndrome type 2A. Also called: RETINAL DISEASE IN USHER SYNDROME TYPE IIA, MODIFIER OF; USHER SYNDROME, TYPE IIA. Identifiers: Orphanet 231178, Orphanet 886, MedGen C1848634, MONDO:0010169, OMIM 276901.

Submissions (4):

Genome-Nilou Lab
Classification: Likely pathogenic for Usher syndrome type 2A. Last evaluated: 2023-04-11. Review status: criteria provided, single submitter. Criteria: ACMG Guidelines, 2015. Collection method: clinical testing. Allele origin: germline. Affected: no.

Baylor Genetics
Classification: Likely pathogenic for Retinitis pigmentosa 39. Last evaluated: 2022-12-08. Review status: criteria provided, single submitter. Criteria: ACMG Guidelines, 2015. Collection method: clinical testing. Allele origin: unknown.

Labcorp Genetics (formerly Invitae), Labcorp
Classification: Pathogenic. Last evaluated: 2020-06-28. Review status: criteria provided, single submitter. Criteria: Invitae Variant Classification Sherloc (09022015). Collection method: clinical testing. Allele origin: germline.
Comment: For these reasons, this variant has been classified as Pathogenic. Loss-of-function variants in USH2A are known to be pathogenic (PMID: 10729113, 10909849, 20507924, 25649381). Algorithms developed to predict the effect of sequence changes on RNA splicing suggest that this variant may disrupt the consensus splice site, but this prediction has not been confirmed by published transcriptional studies. This variant has not been reported in the literature in individuals with USH2A-related conditions. This variant is not present in population databases (ExAC no frequency). This sequence change creates a premature translational stop signal (p.Gly3850Glufs*34) in the USH2A gene. It is expected to result in an absent or disrupted protein product.

Centre for Mendelian Genomics, University Medical Centre Ljubljana
Classification: Likely pathogenic for Usher syndrome type 2A. Last evaluated: 2016-01-01. Review status: criteria provided, single submitter. Criteria: ACMG Guidelines, 2015. Collection method: clinical testing. Allele origin: unknown. Affected: yes.
Comment: This variant was classified as: Likely pathogenic. The following ACMG criteria were applied in classifying this variant: PVS1,PM2.

Literature cited by the submitters: PubMed 10729113 (cited by Labcorp Genetics (formerly Invitae), Labcorp); PubMed 10909849 (cited by Labcorp Genetics (formerly Invitae), Labcorp); PubMed 20507924 (cited by Labcorp Genetics (formerly Invitae), Labcorp); PubMed 25649381 (cited by Labcorp Genetics (formerly Invitae), Labcorp).